The following is an entry in ClinVar:

ClinVar aggregate classification (germline): Uncertain significance (1 of 4 stars; one submission).

Conditions:
Familial adenomatous polyposis 1 (FAP1). Also called: FAMILIAL ADENOMATOUS POLYPOSIS 1, ATTENUATED; POLYPOSIS, ADENOMATOUS INTESTINAL. Identifiers: MedGen C2713442, MONDO:0021056, OMIM 175100. Disease mechanism: loss of function.

Allele frequency attached by ClinVar (database versions not stated): TOPMed 0.00002.

Submission:

Labcorp Genetics (formerly Invitae), Labcorp
Classification: Uncertain significance for Familial adenomatous polyposis 1. Last evaluated: 2025-10-07. Review status: criteria provided, single submitter. Criteria: Invitae Variant Classification Sherloc (09022015). Collection method: clinical testing. Allele origin: germline.
Comment: This variant occurs in a non-coding region of the APC gene. It does not change the encoded amino acid sequence of the APC protein. This variant is not present in population databases (gnomAD no frequency). This variant has not been reported in the literature in individuals affected with APC-related conditions. Experimental studies and prediction algorithms are not available or were not evaluated, and the functional significance of this variant is currently unknown. In summary, the available evidence is currently insufficient to determine the role of this variant in disease. Therefore, it has been classified as a Variant of Uncertain Significance.

NC_000005.10:g.112707461C>T

Gene: APC (APC regulator of Wnt signaling pathway; plus strand). Cytogenetic location: 5q22.2.
Variant type: single nucleotide variant.
Genome position: GRCh38 VCF-style: chr5-112707461-C-T. GRCh37 (hg19) VCF-style: chr5-112043158-C-T.
Identifiers: ClinVar variation 1004089 (VCV001004089.8), dbSNP rs1360948145, ClinGen allele CA802056943.